The following is an entry in ClinVar:

NM_002226.5(JAG2):c.2299G>A (p.Val767Met)

Gene: JAG2 (jagged canonical Notch ligand 2; minus strand). Cytogenetic location: 14q32.33.
Variant type: single nucleotide variant.
Coding change: c.2299G>A on transcript NM_002226.5 (MANE Select); coding-DNA position 2299, G replaced by A.
Protein change: p.Val767Met; replaces valine 767 with methionine.
Molecular consequence: missense variant.
Genome position (GRCh38, 1-based): chr14:105,147,838, C>T on the plus strand (G>A on the coding strand, the complement: JAG2 is on the minus strand). VCF-style: chr14-105147838-C-T. GRCh37 (hg19) VCF-style: chr14-105614175-C-T.
Other names: p.Val767Met; c.2185G>A, p.Val729Met (NM_145159.3); short protein forms V767M, V729M.
Identifiers: ClinVar variation 4541913 (VCV004541913.1).

ClinVar aggregate classification (germline): Uncertain significance (1 of 4 stars; one submission).

Submission:

Mayo Clinic Laboratories, Mayo Clinic
Classification: Uncertain significance. Last evaluated: 2025-06-12. Review status: criteria provided, single submitter. Criteria: ACMG Guidelines, 2015. Collection method: clinical testing. Allele origin: germline. Observed: 1 variant allele.
Comment: PP3, PM2_supporting